The following is an entry in ClinVar:

NM_001754.5(RUNX1):c.490G>T (p.Val164Phe)

Genes: RUNX1-AS1 (RUNX1 antisense RNA 1; plus strand), RUNX1 (RUNX family transcription factor 1; minus strand). Cytogenetic location: 21q22.12.
Variant type: single nucleotide variant.
Coding change: c.490G>T on transcript NM_001754.5 (MANE Select); coding-DNA position 490, G replaced by T.
Protein change: p.Val164Phe; replaces valine 164 with phenylalanine.
Molecular consequence: missense variant.
Genome position (GRCh38, 1-based): chr21:34,880,575, C>A on the plus strand (G>T on the coding strand, the complement: RUNX1 is on the minus strand). VCF-style: chr21-34880575-C-A. GRCh37 (hg19) VCF-style: chr21-36252872-C-A.
Other names: NM_001754.5(RUNX1):c.490G>T; p.Val164Phe; c.409G>T, p.Val137Phe (NM_001001890.3, NM_001122607.2); short protein forms V137F, V164F.
Identifiers: ClinVar variation 1437603 (VCV001437603.9), dbSNP rs760221080, ClinGen allele CA410202501.

ClinVar aggregate classification (germline): Uncertain significance. Review status: reviewed by expert panel (3 of 4 stars). 2 submissions from 2 submitters: Uncertain significance (1). 1 of the submissions does not count toward it. Last evaluated 2024-10-29.

Conditions:
Hereditary thrombocytopenia and hematological cancer predisposition syndrome associated with RUNX1. Also called: Familial Platelet Disorder with Propensity to Acute Myelogenous Leukemia; Familial thrombocytopenia with propensity to acute myelogenous leukemia; RUNX1 Familial Platelet Disorder with Associated Myeloid Malignancies; PLATELET DISORDER, ASPIRIN-LIKE. Identifiers: Orphanet 71290, MedGen C1832388, MeSH C563324, MONDO:0100083, OMIM 601399.
Hereditary thrombocytopenia and hematologic cancer predisposition syndrome. Identifiers: Orphanet 71290, MedGen CN281654, MONDO:0011071.

Submissions (2):

ClinGen Myeloid Malignancy Variant Curation Expert Panel
Classification: Uncertain significance for Hereditary thrombocytopenia and hematologic cancer predisposition syndrome. Last evaluated: 2024-10-29. Review status: reviewed by expert panel. Criteria: ClinGen MyeloMalig ACMG Specifications v2. Collection method: curation. Allele origin: germline. Inheritance: Autosomal dominant inheritance.
Comment: NM_001754.5(RUNX1):c.490G>T (p.Val164Phe) is a missense variant which affects a residue within the Runt Homology Domain (RHD) established by the MM-VCEP for RUNX1 (Val164) (PM1_supporting). This variant is completely absent from all population databases with at least 20x coverage for RUNX1 (PM2_supporting). It has a REVEL score of 0.959, which is greater than 0.88 (PP3). This variant has been reported in ClinVar; however, no phenotypic data was provided. In summary, this variant meets the criteria to be classified as a variant of uncertain significance. ACMG/AMP criteria applied, as specified by the Myeloid Malignancy Variant Curation Expert Panel for RUNX1: PM1_supporting, PP3, PM2_supporting.

Labcorp Genetics (formerly Invitae), Labcorp
Classification: Uncertain significance for Hereditary thrombocytopenia and hematological cancer predisposition syndrome associated with RUNX1. Last evaluated: 2021-02-11. Review status: criteria provided, single submitter. Criteria: Invitae Variant Classification Sherloc (09022015). Collection method: clinical testing. Allele origin: germline. Not counted in ClinVar's aggregate classification.
Comment: This sequence change replaces valine with phenylalanine at codon 164 of the RUNX1 protein (p.Val164Phe). The valine residue is moderately conserved and there is a small physicochemical difference between valine and phenylalanine. This variant is not present in population databases (ExAC no frequency). This variant has not been reported in the literature in individuals with RUNX1-related conditions. Algorithms developed to predict the effect of missense changes on protein structure and function are either unavailable or do not agree on the potential impact of this missense change (SIFT: "Deleterious"; PolyPhen-2: "Probably Damaging"; Align-GVGD: "Class C0"). In summary, the available evidence is currently insufficient to determine the role of this variant in disease. Therefore, it has been classified as a Variant of Uncertain Significance.